The following is an entry in ClinVar:

ClinVar aggregate classification (germline): Likely benign. Review status: criteria provided, multiple submitters, no conflicts (2 of 4 stars). 2 submissions from 2 submitters: Likely benign (2). Last evaluated 2026-08-01.

gnomAD v4.1: 5 of 1,612,522 alleles (0.00031%); highest among the groups gnomAD compares: Admixed American, 0.0084%; no homozygotes.

Submissions (2):

CeGaT Center for Human Genetics Tuebingen
Classification: Likely benign. Last evaluated: 2026-08-01. Review status: criteria provided, single submitter. Criteria: CeGaT Center For Human Genetics Tuebingen Variant Classification Criteria Version 2. Collection method: clinical testing. Allele origin: germline. Affected: yes. Observed: 1 variant allele.
Comment: TTN: BP4, BP7

Blueprint Genetics
Classification: Likely benign. Last evaluated: 2020-09-16. Review status: criteria provided, single submitter. Criteria: ACMG Guidelines, 2015. Collection method: clinical testing. Allele origin: germline.

NM_001267550.2(TTN):c.11311+3979T>C

Gene: TTN (titin; minus strand). Cytogenetic location: 2q31.2.
Variant type: single nucleotide variant.
Coding change: c.11311+3979T>C on transcript NM_001267550.2 (MANE Select); 3979 bases into the intron after coding-DNA position 11311, T replaced by C.
Molecular consequence: intron variant. On other transcripts: synonymous variant (1).
Genome position (GRCh38, 1-based): chr2:178,749,145, A>G on the plus strand (T>C on the coding strand, the complement: TTN is on the minus strand). VCF-style: chr2-178749145-A-G. GRCh37 (hg19) VCF-style: chr2-179613872-A-G.
Other names: c.13255T>C, p.Leu4419= (NM_133379.5); c.10222+3979T>C (NM_003319.4); c.10798+3979T>C (NM_133437.4); c.10597+3979T>C (NM_133432.3); c.10360+3979T>C (NM_133378.4, NM_001256850.1).
Identifiers: ClinVar variation 4958729 (VCV004958729.2).